The following is an entry in ClinVar:

ClinVar aggregate classification (germline): Uncertain significance (1 of 4 stars; one submission).

Allele frequency attached by ClinVar (database versions not stated): gnomAD 0.00001; TOPMed 0.00001.
gnomAD v4.1: 4 of 1,613,784 alleles (0.00025%); highest among the groups gnomAD compares: Non-Finnish European, 0.00034%; no homozygotes.

Submission:

Labcorp Genetics (formerly Invitae), Labcorp
Classification: Uncertain significance. Last evaluated: 2024-02-24. Review status: criteria provided, single submitter. Criteria: Invitae Variant Classification Sherloc (09022015). Collection method: clinical testing. Allele origin: germline.
Comment: This sequence change replaces proline, which is neutral and non-polar, with serine, which is neutral and polar, at codon 425 of the ZCCHC8 protein (p.Pro425Ser). This variant is not present in population databases (gnomAD no frequency). This variant has not been reported in the literature in individuals affected with ZCCHC8-related conditions. ClinVar contains an entry for this variant (Variation ID: 2116525). Advanced modeling of protein sequence and biophysical properties (such as structural, functional, and spatial information, amino acid conservation, physicochemical variation, residue mobility, and thermodynamic stability) performed at Invitae indicates that this missense variant is not expected to disrupt ZCCHC8 protein function with a negative predictive value of 80%. In summary, the available evidence is currently insufficient to determine the role of this variant in disease. Therefore, it has been classified as a Variant of Uncertain Significance.

NM_017612.5(ZCCHC8):c.1273C>T (p.Pro425Ser)

Gene: ZCCHC8 (zinc finger CCHC-type containing 8; minus strand). Cytogenetic location: 12q24.31.
Variant type: single nucleotide variant.
Coding change: c.1273C>T on transcript NM_017612.5 (MANE Select); coding-DNA position 1273, C replaced by T.
Protein change: p.Pro425Ser; replaces proline 425 with serine.
Molecular consequence: missense variant.
Genome position (GRCh38, 1-based): chr12:122,477,913, G>A on the plus strand (C>T on the coding strand, the complement: ZCCHC8 is on the minus strand). VCF-style: chr12-122477913-G-A. GRCh37 (hg19) VCF-style: chr12-122962460-G-A.
Other names: c.1042C>T, p.Pro348Ser (NM_001350935.2); c.976C>T, p.Pro326Ser (NM_001350936.2); c.559C>T, p.Pro187Ser (NM_001350937.2, NM_001350938.2); short protein forms P348S, P425S, P326S, P187S.
Identifiers: ClinVar variation 2116525 (VCV002116525.4), dbSNP rs1593314147, ClinGen allele CA387050772.
Genomic context (GRCh38, chr12:122,477,913, plus strand): 5'-CCATGTCGGCGGGAGATCCCGCTGAGTTGCTTTCATTCTTCTGCTTCTTTGGACTACCTG[G>A]GCTAGAGTGAGATGAAGACCTCTTGTTGCCAGACTTCACACCTGGCTAAAAGAGCAACCA-3'
Protein context (NP_060082.2, residues 415-435): GNKRSSSHSS[Pro425Ser]GSPKKQKNES